The following is an entry in ClinVar:

ClinVar aggregate classification (germline): Uncertain significance. Review status: criteria provided, multiple submitters, no conflicts (2 of 4 stars). 3 submissions from 3 submitters: Uncertain significance (3). Last evaluated 2025-02-27.

Conditions:
Aortic aneurysm, familial thoracic 7 (AAT7). Also called: AORTIC DISSECTION, FAMILIAL, WITH OR WITHOUT AORTIC ANEURYSM. Identifiers: MedGen C3151077, MONDO:0013418, OMIM 613780.
Megacystis-microcolon-intestinal hypoperistalsis syndrome 1. Identifiers: MedGen C5542316, MONDO:0100354, OMIM 249210.
Familial thoracic aortic aneurysm and aortic dissection (TAAD). Also called: Thoracic aortic aneurysms and dissections. Identifiers: Orphanet 91387, MedGen C4707243, MONDO:0019625.

Allele frequency attached by ClinVar (database versions not stated): ExAC 0.00001; gnomAD 0.00003 and 0.00004; TOPMed 0.00003.
gnomAD v4.1: 30 of 1,614,018 alleles (0.0019%); highest among the groups gnomAD compares: Non-Finnish European, 0.0025%; no homozygotes.

Submissions (3):

Labcorp Genetics (formerly Invitae), Labcorp
Classification: Uncertain significance for Aortic aneurysm, familial thoracic 7. Last evaluated: 2025-02-27. Review status: criteria provided, single submitter. Criteria: Invitae Variant Classification Sherloc (09022015). Collection method: clinical testing. Allele origin: germline.
Comment: This sequence change replaces glycine, which is neutral and non-polar, with alanine, which is neutral and non-polar, at codon 1639 of the MYLK protein (p.Gly1639Ala). This variant is present in population databases (rs752526557, gnomAD 0.002%). This variant has not been reported in the literature in individuals affected with MYLK-related conditions. ClinVar contains an entry for this variant (Variation ID: 409703). Invitae Evidence Modeling of protein sequence and biophysical properties (such as structural, functional, and spatial information, amino acid conservation, physicochemical variation, residue mobility, and thermodynamic stability) indicates that this missense variant is not expected to disrupt MYLK protein function with a negative predictive value of 80%. In summary, the available evidence is currently insufficient to determine the role of this variant in disease. Therefore, it has been classified as a Variant of Uncertain Significance.

Ambry Genetics
Classification: Uncertain significance for Familial thoracic aortic aneurysm and aortic dissection. Last evaluated: 2021-09-27. Review status: criteria provided, single submitter. Criteria: Ambry Variant Classification Scheme 2023. Collection method: clinical testing. Allele origin: germline.

Fulgent Genetics
Classification: Uncertain significance for Megacystis-microcolon-intestinal hypoperistalsis syndrome 1; Aortic aneurysm, familial thoracic 7. Last evaluated: 2021-08-13. Review status: criteria provided, single submitter. Criteria: ACMG Guidelines, 2015. Collection method: clinical testing. Allele origin: unknown.

NM_053025.4(MYLK):c.4916G>C (p.Gly1639Ala)

Gene: MYLK (myosin light chain kinase; minus strand). Cytogenetic location: 3q21.1.
Variant type: single nucleotide variant.
Coding change: c.4916G>C on transcript NM_053025.4 (MANE Select); coding-DNA position 4916, G replaced by C.
Protein change: p.Gly1639Ala; replaces glycine 1639 with alanine.
Molecular consequence: missense variant.
Genome position (GRCh38, 1-based): chr3:123,638,116, C>G on the plus strand (G>C on the coding strand, the complement: MYLK is on the minus strand). VCF-style: chr3-123638116-C-G. GRCh37 (hg19) VCF-style: chr3-123356963-C-G.
Other names: c.4709G>C, p.Gly1570Ala (NM_053028.4, NM_053026.4); c.4388G>C, p.Gly1463Ala (NM_001321309.2); c.4916G>C, p.Gly1639Ala (NM_053027.4); short protein forms G1639A, G1463A, G1570A.
Identifiers: ClinVar variation 409703 (VCV000409703.10), dbSNP rs752526557, ClinGen allele CA072230.